The following is an entry in ClinVar:

ClinVar aggregate classification (germline): Uncertain significance (1 of 4 stars; one submission).

Submission:

Labcorp Genetics (formerly Invitae), Labcorp
Classification: Uncertain significance. Last evaluated: 2022-10-01. Review status: criteria provided, single submitter. Criteria: Invitae Variant Classification Sherloc (09022015). Collection method: clinical testing. Allele origin: germline.
Comment: Experimental studies and prediction algorithms are not available or were not evaluated, and the functional significance of this variant is currently unknown. In summary, the available evidence is currently insufficient to determine the role of this variant in disease. Therefore, it has been classified as a Variant of Uncertain Significance. This variant has not been reported in the literature in individuals affected with GRIN2D-related conditions. This variant is present in population databases (no rsID available, gnomAD 0.01%). This sequence change creates a premature translational stop signal (p.Trp1161Argfs*155) in the GRIN2D gene. While this is not anticipated to result in nonsense mediated decay, it is expected to disrupt the last 176 amino acid(s) of the GRIN2D protein.

NM_000836.4(GRIN2D):c.3481_3527del (p.Trp1161fs)

Gene: GRIN2D (glutamate ionotropic receptor NMDA type subunit 2D; plus strand). Cytogenetic location: 19q13.33.
Variant type: Deletion.
Coding change: c.3481_3527del on transcript NM_000836.4 (MANE Select); coding-DNA positions 3481 to 3527, 47 bases deleted.
Protein change: p.Trp1161fs; shifts the reading frame from tryptophan 1161.
Molecular consequence: frameshift variant.
Genome position (GRCh38, 1-based): chr19:48,443,407-48,443,453, 47 bases deleted; deleting any 47 consecutive bases within chr19:48,443,404-48,443,453 gives the same sequence; the c. name uses the placement nearest the transcript's 3' end. GRCh37 (hg19): chr19:48,946,664-48,946,710.
Other names: short protein forms W1161fs.
Identifiers: ClinVar variation 1967954 (VCV001967954.4), dbSNP rs1393873450, ClinGen allele CA633886925.
Genomic context (GRCh38, chr19:48,443,403, plus strand): 5'-CCCGTATGCCGAGCGCCTCGGGCCGCCGCCCGGCCGCTACTGGTCGGTCGACAAGCTCGG[GGGCTGGCGCGCCGGGAGCTGGGACTACCTGCCCCCGCGCAGCGGTCC>G]GGCCGCCTGGCACTGTCGGCACTGCGCCAGCCTGGAGCTGCTGCCGCCGCCGCGCCATCT-3'